The following is an entry in ClinVar:

NM_001367479.1(DNAH14):c.9262A>G (p.Ser3088Gly)

Gene: DNAH14 (dynein axonemal heavy chain 14; plus strand). Cytogenetic location: 1q42.12.
Variant type: single nucleotide variant.
Coding change: c.9262A>G on transcript NM_001367479.1 (MANE Select); coding-DNA position 9262, A replaced by G.
Protein change: p.Ser3088Gly; replaces serine 3088 with glycine.
Molecular consequence: missense variant.
Genome position (GRCh38, 1-based): chr1:225,318,604, A>G. VCF-style: chr1-225318604-A-G. GRCh37 (hg19) VCF-style: chr1-225506306-A-G.
Other names: NM_001373.1:c.8983A>G; short protein forms S3088G.
Identifiers: ClinVar variation 3840915 (VCV003840915.2).

ClinVar aggregate classification (germline): Uncertain significance. Review status: criteria provided, multiple submitters, no conflicts (2 of 4 stars). 2 submissions from 2 submitters: Uncertain significance (2). Last evaluated 2026-03-16.

gnomAD v4.1: 33 of 1,548,414 alleles (0.0021%); highest among the groups gnomAD compares: Admixed American, 0.065%; no homozygotes.

Submissions (2):

GeneDx
Classification: Uncertain significance. Last evaluated: 2026-03-16. Review status: criteria provided, single submitter. Criteria: GeneDx Variant Classification Process June 2021. Collection method: clinical testing. Allele origin: germline.
Comment: In silico analysis suggests that this missense variant does not alter protein structure/function; Has not been previously published as pathogenic or benign to our knowledge; In silico analysis suggests this variant may impact gene splicing. In the absence of RNA/functional studies, the actual effect of this sequence change is unknown.

Ambry Genetics
Classification: Uncertain significance. Last evaluated: 2025-03-11. Review status: criteria provided, single submitter. Criteria: Ambry Variant Classification Scheme 2023. Collection method: clinical testing. Allele origin: germline.